The following is an entry in ClinVar:

ClinVar aggregate classification (germline): Uncertain significance (1 of 4 stars; one submission).

Conditions:
Capillary malformation-arteriovenous malformation syndrome. Also called: Capillary malformation-arteriovenous malformation. Identifiers: Orphanet 137667, MedGen C1842180, MONDO:0012016.

Allele frequency attached by ClinVar (database versions not stated): gnomAD exomes below 0.00001.
gnomAD v4.1: 1 of 1,612,128 alleles (0.000062%); highest among the groups gnomAD compares: Non-Finnish European, 0.000085%; no homozygotes.

Submission:

Labcorp Genetics (formerly Invitae), Labcorp
Classification: Uncertain significance for Capillary malformation-arteriovenous malformation syndrome. Last evaluated: 2021-03-30. Review status: criteria provided, single submitter. Criteria: Invitae Variant Classification Sherloc (09022015). Collection method: clinical testing. Allele origin: germline.
Comment: Algorithms developed to predict the effect of missense changes on protein structure and function output the following: SIFT: "Tolerated"; PolyPhen-2: "Possibly Damaging"; Align-GVGD: "Class C0". The methionine amino acid residue is found in multiple mammalian species, suggesting that this missense change does not adversely affect protein function. These predictions have not been confirmed by published functional studies and their clinical significance is uncertain. This variant has not been reported in the literature in individuals with RASA1-related conditions. This variant is not present in population databases (ExAC no frequency). This sequence change replaces valine with methionine at codon 57 of the RASA1 protein (p.Val57Met). The valine residue is weakly conserved and there is a small physicochemical difference between valine and methionine. In summary, the available evidence is currently insufficient to determine the role of this variant in disease. Therefore, it has been classified as a Variant of Uncertain Significance.

NM_002890.3(RASA1):c.169G>A (p.Val57Met)

Gene: RASA1 (RAS p21 protein activator 1; plus strand). Cytogenetic location: 5q14.3.
Variant type: single nucleotide variant.
Coding change: c.169G>A on transcript NM_002890.3 (MANE Select); coding-DNA position 169, G replaced by A.
Protein change: p.Val57Met; replaces valine 57 with methionine.
Molecular consequence: missense variant.
Genome position (GRCh38, 1-based): chr5:87,268,620, G>A. VCF-style: chr5-87268620-G-A. GRCh37 (hg19) VCF-style: chr5-86564437-G-A.
Other names: short protein forms V57M.
Identifiers: ClinVar variation 1409520 (VCV001409520.8), dbSNP rs2112222422, ClinGen allele CA360416905.